The following is an entry in ClinVar:

ClinVar aggregate classification (germline): Uncertain significance (1 of 4 stars; one submission).

Conditions:
Charcot-Marie-Tooth disease dominant intermediate C (CMTDIC). Also called: CHARCOT-MARIE-TOOTH NEUROPATHY, DOMINANT INTERMEDIATE C. Identifiers: Orphanet 100045, MedGen C1842237, MONDO:0012012, OMIM 608323.

Allele frequency attached by ClinVar (database versions not stated): gnomAD exomes below 0.00001; ExAC 0.00001; TOPMed 0.00001.

Submission:

Labcorp Genetics (formerly Invitae), Labcorp
Classification: Uncertain significance for Charcot-Marie-Tooth disease dominant intermediate C. Last evaluated: 2026-01-01. Review status: criteria provided, single submitter. Criteria: Invitae Variant Classification Sherloc (09022015). Collection method: clinical testing. Allele origin: germline.
Comment: This sequence change replaces lysine, which is basic and polar, with arginine, which is basic and polar, at codon 246 of the YARS protein (p.Lys246Arg). This variant is present in population databases (rs773595344, gnomAD 0.003%). This variant has not been reported in the literature in individuals affected with YARS-related conditions. ClinVar contains an entry for this variant (Variation ID: 2082343). Invitae Evidence Modeling of protein sequence and biophysical properties (such as structural, functional, and spatial information, amino acid conservation, physicochemical variation, residue mobility, and thermodynamic stability) indicates that this missense variant is not expected to disrupt YARS protein function with a negative predictive value of 80%. In summary, the available evidence is currently insufficient to determine the role of this variant in disease. Therefore, it has been classified as a Variant of Uncertain Significance.

NM_003680.4(YARS1):c.737A>G (p.Lys246Arg)

Genes: YARS1 (tyrosyl-tRNA synthetase 1; minus strand), LOC126805688 (BRD4-independent group 4 enhancer GRCh37_chr1:33251929-33253128; plus strand). Cytogenetic location: 1p35.1.
Variant type: single nucleotide variant.
Coding change: c.737A>G on transcript NM_003680.4 (MANE Select); coding-DNA position 737, A replaced by G.
Protein change: p.Lys246Arg; replaces lysine 246 with arginine.
Molecular consequence: missense variant.
Genome position (GRCh38, 1-based): chr1:32,787,023, T>C on the plus strand (A>G on the coding strand, the complement: YARS1 is on the minus strand). VCF-style: chr1-32787023-T-C. GRCh37 (hg19) VCF-style: chr1-33252624-T-C.
Other names: short protein forms K246R.
Identifiers: ClinVar variation 2082343 (VCV002082343.4), dbSNP rs773595344, ClinGen allele CA745120.
Genomic context (GRCh38, chr1:32,787,023, plus strand): 5'-TGCTTGATGAAGGACAGAACCCCATTGTTCTCCACATTTCCTGGCTCACAGAAGGCCTTC[T>C]TCAGTTTTTTCTTCACATCCTCCTTCCGATCAAGGAGATCAATCTTGGACTCCTAGAAGT-3'
Protein context (NP_003671.1, residues 236-256): DRKEDVKKKL[Lys246Arg]KAFCEPGNVE